The following is an entry in ClinVar:

NM_000180.4(GUCY2D):c.3014C>T (p.Thr1005Ile)

Gene: GUCY2D (guanylate cyclase 2D, retinal; plus strand). Cytogenetic location: 17p13.1.
Variant type: single nucleotide variant.
Coding change: c.3014C>T on transcript NM_000180.4 (MANE Select); coding-DNA position 3014, C replaced by T.
Protein change: p.Thr1005Ile; replaces threonine 1005 with isoleucine.
Molecular consequence: missense variant.
Genome position (GRCh38, 1-based): chr17:8,015,812, C>T. VCF-style: chr17-8015812-C-T. GRCh37 (hg19) VCF-style: chr17-7919130-C-T.
Other names: short protein forms T1005I.
Identifiers: ClinVar variation 849363 (VCV000849363.11), dbSNP rs150185423, ClinGen allele CA8366279.

ClinVar aggregate classification (germline): Uncertain significance. Review status: criteria provided, multiple submitters, no conflicts (2 of 4 stars). 2 submissions from 2 submitters: Uncertain significance (2). Last evaluated 2025-04-28.

Conditions:
Cone-rod dystrophy 6 (CORD6). Also called: Cone dystrophy progressive; RETINAL CONE DYSTROPHY 2. Identifiers: Orphanet 1872, MedGen C1866293, MONDO:0011143, OMIM 601777.
Leber congenital amaurosis 1 (LCA1). Also called: RETINAL BLINDNESS, CONGENITAL; AMAUROSIS CONGENITA OF LEBER I; Congenital absence of the rods and cones; Leber's congenital tapetoretinal degeneration; Leber's congenital tapetoretinal dysplasia. Identifiers: Orphanet 65, MedGen C2931258, MONDO:0008764, OMIM 204000.

Allele frequency attached by ClinVar (database versions not stated): ExAC 0.00002; gnomAD exomes 0.00002; gnomAD 0.00011; TOPMed 0.00014; ESP Exome Variant Server 0.00015; 1000 Genomes Project 0.00020; 1000 Genomes Project 30x 0.00062.
gnomAD v4.1: 39 of 1,612,608 alleles (0.0024%); highest among the groups gnomAD compares: African/African-American, 0.049%; no homozygotes.

Submissions (2):

Labcorp Genetics (formerly Invitae), Labcorp
Classification: Uncertain significance for Leber congenital amaurosis 1; Cone-rod dystrophy 6. Last evaluated: 2025-04-28. Review status: criteria provided, single submitter. Criteria: Invitae Variant Classification Sherloc (09022015). Collection method: clinical testing. Allele origin: germline.
Comment: This sequence change replaces threonine, which is neutral and polar, with isoleucine, which is neutral and non-polar, at codon 1005 of the GUCY2D protein (p.Thr1005Ile). This variant is present in population databases (rs150185423, gnomAD 0.02%). This variant has not been reported in the literature in individuals affected with GUCY2D-related conditions. ClinVar contains an entry for this variant (Variation ID: 849363). Invitae Evidence Modeling of protein sequence and biophysical properties (such as structural, functional, and spatial information, amino acid conservation, physicochemical variation, residue mobility, and thermodynamic stability) indicates that this missense variant is not expected to disrupt GUCY2D protein function with a negative predictive value of 80%. In summary, the available evidence is currently insufficient to determine the role of this variant in disease. Therefore, it has been classified as a Variant of Uncertain Significance.

Blueprint Genetics
Classification: Uncertain significance. Last evaluated: 2024-07-15. Review status: criteria provided, single submitter. Criteria: ACMG Guidelines, 2015. Collection method: clinical testing. Allele origin: germline.